The following is an entry in ClinVar:

ClinVar aggregate classification (germline): Conflicting classifications of pathogenicity. Review status: criteria provided, conflicting classifications (1 of 4 stars). 2 submissions from 2 submitters: Uncertain significance (1); Likely benign (1). Last evaluated 2024-08-29.

Conditions:
Primary ciliary dyskinesia 33. Also called: CILIARY DYSKINESIA, PRIMARY, 33, WITHOUT SITUS INVERSUS. Identifiers: Orphanet 244, MedGen C4225230, MONDO:0014750, OMIM 616726.

Allele frequency attached by ClinVar (database versions not stated): gnomAD 0.00011 and 0.00014; 1000 Genomes Project 30x 0.00016; gnomAD exomes 0.00016 and 0.00022; 1000 Genomes Project 0.00020; ESP Exome Variant Server 0.00023; ExAC 0.00024; TOPMed 0.00028.
gnomAD v4.1: 270 of 1,591,860 alleles (0.017%); highest among the groups gnomAD compares: Middle Eastern, 0.15%; 1 homozygote.

Submissions (2):

Blueprint Genetics
Classification: Likely benign. Last evaluated: 2024-08-29. Review status: criteria provided, single submitter. Criteria: ACMG Guidelines, 2015. Collection method: clinical testing. Allele origin: germline.

Labcorp Genetics (formerly Invitae), Labcorp
Classification: Uncertain significance for Primary ciliary dyskinesia 33. Last evaluated: 2022-07-14. Review status: criteria provided, single submitter. Criteria: Invitae Variant Classification Sherloc (09022015). Collection method: clinical testing. Allele origin: germline.
Comment: This sequence change falls in intron 9 of the GAS8 gene. It does not directly change the encoded amino acid sequence of the GAS8 protein. It affects a nucleotide within the consensus splice site. This variant is present in population databases (rs374119905, gnomAD 0.05%). This variant has not been reported in the literature in individuals affected with GAS8-related conditions. ClinVar contains an entry for this variant (Variation ID: 542261). Variants that disrupt the consensus splice site are a relatively common cause of aberrant splicing (PMID: 17576681, 9536098). Algorithms developed to predict the effect of sequence changes on RNA splicing suggest that this variant is not likely to affect RNA splicing. In summary, the available evidence is currently insufficient to determine the role of this variant in disease. Therefore, it has been classified as a Variant of Uncertain Significance.

Literature cited by the submitters: PubMed 17576681 (cited by Labcorp Genetics (formerly Invitae), Labcorp); PubMed 9536098 (cited by Labcorp Genetics (formerly Invitae), Labcorp).

NM_001481.3(DRC4):c.1221+6C>T

Gene: DRC4 (dynein regulatory complex subunit 4; plus strand). Cytogenetic location: 16q24.3.
Variant type: single nucleotide variant.
Coding change: c.1221+6C>T on transcript NM_001481.3 (MANE Select); 6 bases into the intron after coding-DNA position 1221, C replaced by T.
Molecular consequence: intron variant.
Genome position (GRCh38, 1-based): chr16:90,040,515, C>T. VCF-style: chr16-90040515-C-T. GRCh37 (hg19) VCF-style: chr16-90106923-C-T.
Other names: c.1146+6C>T (NM_001286209.2); c.972+6C>T (NM_001286205.2); c.645+6C>T (NM_001286208.2).
Identifiers: ClinVar variation 542261 (VCV000542261.6), dbSNP rs374119905, ClinGen allele CA8258138.